The following is an entry in ClinVar:

NM_015192.4(PLCB1):c.18C>T (p.Pro6=)

Gene: PLCB1 (phospholipase C beta 1; plus strand). Cytogenetic location: 20p12.3.
Variant type: single nucleotide variant.
Coding change: c.18C>T on transcript NM_015192.4 (MANE Select); coding-DNA position 18, C replaced by T.
Protein change: p.Pro6=; no amino-acid change (proline 6 retained).
Molecular consequence: synonymous variant.
Genome position (GRCh38, 1-based): chr20:8,132,669, C>T. VCF-style: chr20-8132669-C-T. GRCh37 (hg19) VCF-style: chr20-8113316-C-T.
Other names: c.18C>T, p.Pro6= (NM_182734.3).
Identifiers: ClinVar variation 1012476 (VCV001012476.45), dbSNP rs745497485, ClinGen allele CA9759512.
Genomic context (GRCh38, chr20:8,132,669, plus strand): 5'-CTGCCGCGCTCGCCCGGGCCGCCCGGAGCCCAGATGAGCCCAGATGGCCGGGGCTCAACC[C>T]GGAGTGCACGCCTTGCAACTCAAGCCCGTGTGCGTGTCCGACAGCCTCAAGAAGGGCACC-3'
Protein context (NP_056007.1, residues 1-16): MAGAQ[Pro6=]GVHALQLKPV

ClinVar aggregate classification (germline): Likely benign. Review status: criteria provided, multiple submitters, no conflicts (2 of 4 stars). 2 submissions from 2 submitters: Likely benign (2). Last evaluated 2025-01-27.

Conditions:
Developmental and epileptic encephalopathy, 12 (DEE12). Identifiers: MedGen C3150988, MONDO:0013389, OMIM 613722.

Allele frequency attached by ClinVar (database versions not stated): TOPMed 0.00002.
gnomAD v4.1: 16 of 1,611,850 alleles (0.00099%); highest among the groups gnomAD compares: African/African-American, 0.0013%; no homozygotes.

Submissions (2):

Labcorp Genetics (formerly Invitae), Labcorp
Classification: Likely benign for Developmental and epileptic encephalopathy, 12. Last evaluated: 2025-01-27. Review status: criteria provided, single submitter. Criteria: Invitae Variant Classification Sherloc (09022015). Collection method: clinical testing. Allele origin: germline.

CeGaT Center for Human Genetics Tuebingen
Classification: Likely benign. Last evaluated: 2024-02-01. Review status: criteria provided, single submitter. Criteria: CeGaT Center For Human Genetics Tuebingen Variant Classification Criteria Version 2. Collection method: clinical testing. Allele origin: germline. Affected: yes. Observed: 2 variant alleles.
Comment: PLCB1: BP4, BP7